The following is an entry in ClinVar:

NM_033656.4(BRWD1):c.735G>A (p.Ala245=)

Gene: BRWD1 (bromodomain and WD repeat domain containing 1; minus strand). Cytogenetic location: 21q22.2.
Variant type: single nucleotide variant.
Coding change: c.735G>A on transcript NM_033656.4 (MANE Select); coding-DNA position 735, G replaced by A.
Protein change: p.Ala245=; no amino-acid change (alanine 245 retained).
Molecular consequence: synonymous variant.
Genome position (GRCh38, 1-based): chr21:39,293,907, C>T on the plus strand (G>A on the coding strand, the complement: BRWD1 is on the minus strand). VCF-style: chr21-39293907-C-T. GRCh37 (hg19) VCF-style: chr21-40665833-C-T.
Other names: c.735G>A, p.Ala245= (NM_018963.5).
Identifiers: ClinVar variation 3041022 (VCV003041022.2), dbSNP rs368563847, ClinGen allele CA10027694.

ClinVar aggregate classification (germline): Benign (0 of 4 stars; one submission).

Conditions:
BRWD1-related disorder. Also called: BRWD1-related condition.

Allele frequency attached by ClinVar (database versions not stated): ESP Exome Variant Server 0.00008; ExAC 0.00341; 1000 Genomes Project 30x 0.00437; 1000 Genomes Project 0.00459.
gnomAD v4.1: 2,245 of 1,614,094 alleles (0.14%); highest among the groups gnomAD compares: South Asian, 2.3%; 43 homozygotes.

Submission:

PreventionGenetics, part of Exact Sciences
Classification: Benign for BRWD1-related condition. Last evaluated: 2019-10-28. Review status: no assertion criteria provided. Collection method: clinical testing. Allele origin: germline.
Comment: This variant is classified as benign based on ACMG/AMP sequence variant interpretation guidelines (Richards et al. 2015 PMID: 25741868, with internal and published modifications).